The following is an entry in ClinVar:

ClinVar aggregate classification (germline): Uncertain significance (1 of 4 stars; one submission).

Submission:

GeneDx
Classification: Uncertain significance. Last evaluated: 2024-01-16. Review status: criteria provided, single submitter. Criteria: GeneDx Variant Classification Process June 2021. Collection method: clinical testing. Allele origin: germline. Affected: yes.
Comment: Not observed at significant frequency in large population cohorts (gnomAD); In silico analysis supports that this missense variant does not alter protein structure/function; Has not been previously published as pathogenic or benign to our knowledge

NM_004655.4(AXIN2):c.1463C>G (p.Pro488Arg)

Gene: AXIN2 (axin 2; minus strand). Cytogenetic location: 17q24.1.
Variant type: single nucleotide variant.
Coding change: c.1463C>G on transcript NM_004655.4 (MANE Select); coding-DNA position 1463, C replaced by G.
Protein change: p.Pro488Arg; replaces proline 488 with arginine.
Molecular consequence: missense variant.
Genome position (GRCh38, 1-based): chr17:65,537,573, G>C on the plus strand (C>G on the coding strand, the complement: AXIN2 is on the minus strand). VCF-style: chr17-65537573-G-C. GRCh37 (hg19) VCF-style: chr17-63533691-G-C.
Other names: c.1463C>G, p.Pro488Arg (NM_001363813.1); short protein forms P488R.
Identifiers: ClinVar variation 3367901 (VCV003367901.1).
Genomic context (GRCh38, chr17:65,537,573, plus strand): 5'-TTGGTCACAAAGCCTTTGCCCCCGAGGAGGGGGCAGGCGCCCGGCGAGGCGGCCGCGGGA[G>C]GCAGCTTGCCACCGGGCGGGAGCAGGGAGTGGTACTGCGAATGGTGGTGGTGGTGGTGGT-3'
Protein context (NP_004646.3, residues 478-498): HSLLPPGGKL[Pro488Arg]PAAASPGACP